The following is an entry in ClinVar:

NM_017849.4(TMEM127):c.37C>T (p.Arg13Cys)

Genes: TMEM127 (transmembrane protein 127; minus strand), LOC129934333 (ATAC-STARR-seq lymphoblastoid silent region 11759; plus strand). Cytogenetic location: 2q11.2.
Variant type: single nucleotide variant.
Coding change: c.37C>T on transcript NM_017849.4 (MANE Select); coding-DNA position 37, C replaced by T.
Protein change: p.Arg13Cys; replaces arginine 13 with cysteine.
Molecular consequence: missense variant.
Genome position (GRCh38, 1-based): chr2:96,265,345, G>A on the plus strand (C>T on the coding strand, the complement: TMEM127 is on the minus strand). VCF-style: chr2-96265345-G-A. GRCh37 (hg19) VCF-style: chr2-96931083-G-A.
Other names: c.37C>T, p.Arg13Cys (NM_001193304.3); short protein forms R13C.
Identifiers: ClinVar variation 1735039 (VCV001735039.5), dbSNP rs1684395977, ClinGen allele CA347656263.
Genomic context (GRCh38, chr2:96,265,345, plus strand): 5'-AGGCCAGGCTACGCTCCGGCTGCTTGGGCAGAGCGCTGCCTCCCGGGCTCCTCCGCCGGC[G>A]CCCGCCGGGCAGCCCTGCGCCTCCGGGGGCGTACATGCCCGGGGCCGCCCGCCGTCGCTC-3'
Protein context (NP_060319.1, residues 3-23): APGGAGLPGG[Arg13Cys]RRRSPGGSAL

ClinVar aggregate classification (germline): Uncertain significance. Review status: criteria provided, multiple submitters, no conflicts (2 of 4 stars). 3 submissions from 3 submitters: Uncertain significance (3). Last evaluated 2025-01-06.

Conditions:
Hereditary cancer-predisposing syndrome. Also called: Neoplastic Syndromes, Hereditary; Tumor predisposition; Hereditary Cancer Syndrome; Hereditary neoplastic syndrome. Identifiers: Orphanet 140162, MedGen C0027672, MeSH D009386, MONDO:0015356.
Pheochromocytoma. Also called: MAX-Related Hereditary Paraganglioma-Pheochromocytoma Syndrome. Identifiers: Orphanet 29072, MedGen C0031511, MONDO:0008233, OMIM 171300, HP:0002666.
Hereditary pheochromocytoma and paraganglioma. Also called: Hereditary pheochromocytoma-paraganglioma; Hereditary paragangliomas and pheochromocytomas; Hereditary Paraganglioma-Pheochromocytoma Syndromes. Identifiers: Orphanet 29072, MedGen C4274332, MONDO:0017366.

Allele frequency attached by ClinVar (database versions not stated): gnomAD 0.00001; gnomAD exomes 0.00001.

Submissions (3):

Labcorp Genetics (formerly Invitae), Labcorp
Classification: Uncertain significance for Hereditary pheochromocytoma and paraganglioma. Last evaluated: 2025-01-06. Review status: criteria provided, single submitter. Criteria: Invitae Variant Classification Sherloc (09022015). Collection method: clinical testing. Allele origin: germline.
Comment: This sequence change replaces arginine, which is basic and polar, with cysteine, which is neutral and slightly polar, at codon 13 of the TMEM127 protein (p.Arg13Cys). This variant is not present in population databases (gnomAD no frequency). This variant has not been reported in the literature in individuals affected with TMEM127-related conditions. ClinVar contains an entry for this variant (Variation ID: 1735039). Experimental studies and prediction algorithms are not available or were not evaluated, and the functional significance of this variant is currently unknown. In summary, the available evidence is currently insufficient to determine the role of this variant in disease. Therefore, it has been classified as a Variant of Uncertain Significance.

Ambry Genetics
Classification: Uncertain significance for Hereditary cancer-predisposing syndrome. Last evaluated: 2023-12-01. Review status: criteria provided, single submitter. Criteria: Ambry Variant Classification Scheme 2023. Collection method: clinical testing. Allele origin: germline.
Comment: The p.R13C variant (also known as c.37C>T), located in coding exon 1 of the TMEM127 gene, results from a C to T substitution at nucleotide position 37. The arginine at codon 13 is replaced by cysteine, an amino acid with highly dissimilar properties. This amino acid position is well conserved in available vertebrate species. In addition, the in silico prediction for this alteration is inconclusive. Since supporting evidence is limited at this time, the clinical significance of this alteration remains unclear.

Baylor Genetics
Classification: Uncertain significance for Pheochromocytoma. Last evaluated: 2023-10-21. Review status: criteria provided, single submitter. Criteria: ACMG Guidelines, 2015. Collection method: clinical testing. Allele origin: unknown.